The following is an entry in ClinVar:

NM_000051.4(ATM):c.4551T>A (p.Leu1517=)

Gene: ATM (ATM serine/threonine kinase; plus strand). Cytogenetic location: 11q22.3.
Variant type: single nucleotide variant.
Coding change: c.4551T>A on transcript NM_000051.4 (MANE Select); coding-DNA position 4551, T replaced by A.
Protein change: p.Leu1517=; no amino-acid change (leucine 1517 retained).
Molecular consequence: synonymous variant.
Genome position (GRCh38, 1-based): chr11:108,292,733, T>A. VCF-style: chr11-108292733-T-A. GRCh37 (hg19) VCF-style: chr11-108163460-T-A.
Other names: c.4551T>A, p.Leu1517= (NM_001351834.2).
Identifiers: ClinVar variation 481205 (VCV000481205.17), dbSNP rs1459998980, ClinGen allele CA476674208.

ClinVar aggregate classification (germline): Benign/Likely benign. Review status: criteria provided, multiple submitters, no conflicts (2 of 4 stars). 4 submissions from 4 submitters: Benign (1); Likely benign (3). Last evaluated 2026-01-05.

Conditions:
Hereditary cancer-predisposing syndrome. Also called: Hereditary neoplastic syndrome; Neoplastic Syndromes, Hereditary; Tumor predisposition; Hereditary Cancer Syndrome. Identifiers: Orphanet 140162, MedGen C0027672, MeSH D009386, MONDO:0015356.
Familial cancer of breast. Also called: BREAST CANCER, FAMILIAL; Hereditary breast cancer; hereditary breast carcinoma. Identifiers: Orphanet 227535, MedGen C0346153, MONDO:0016419, OMIM 114480. Disease mechanism: loss of function.
Ataxia-telangiectasia syndrome (AT). Also called: LOUIS-BAR SYNDROME; Cerebello-oculocutaneous telangiectasia; Immunodeficiency with ataxia telangiectasia; AT, COMPLEMENTATION GROUP C; Ataxia-telangiectasia, complementation group D; ATAXIA-TELANGIECTASIA, COMPLEMENTATION GROUP A. Identifiers: Orphanet 100, MedGen C0004135, MONDO:0008840, OMIM 208900.

Allele frequency attached by ClinVar (database versions not stated): TOPMed below 0.00001; gnomAD 0.00001.
gnomAD v4.1: 2 of 1,613,956 alleles (0.00012%); highest among the groups gnomAD compares: Non-Finnish European, 0.00017%; no homozygotes.

Submissions (4):

Labcorp Genetics (formerly Invitae), Labcorp
Classification: Likely benign for Ataxia-telangiectasia syndrome. Last evaluated: 2026-01-05. Review status: criteria provided, single submitter. Criteria: Invitae Variant Classification Sherloc (09022015). Collection method: clinical testing. Allele origin: germline.

Color Diagnostics, LLC DBA Color Health
Classification: Likely benign for Hereditary cancer-predisposing syndrome. Last evaluated: 2025-09-29. Review status: criteria provided, single submitter. Criteria: ACMG Guidelines, 2015. Collection method: clinical testing. Allele origin: germline.

Myriad Genetics, Inc.
Classification: Benign for Familial cancer of breast. Last evaluated: 2024-05-20. Review status: criteria provided, single submitter. Criteria: Myriad Autosomal Dominant, Autosomal Recessive and X-Linked Classification Criteria (2023). Collection method: clinical testing. Allele origin: unknown.
Comment: This variant is considered benign. This variant is a silent/synonymous amino acid change and it is not expected to impact splicing.

Ambry Genetics
Classification: Likely benign for Hereditary cancer-predisposing syndrome. Last evaluated: 2015-12-31. Review status: criteria provided, single submitter. Criteria: Ambry Variant Classification Scheme 2023. Collection method: clinical testing. Allele origin: germline.